The following is an entry in ClinVar:

NM_024854.5(PYROXD1):c.23del (p.Pro8fs)

Genes: PYROXD1 (pyridine nucleotide-disulphide oxidoreductase domain 1; plus strand), LOC130007527 (ATAC-STARR-seq lymphoblastoid active region 6087; plus strand). Cytogenetic location: 12p12.1.
Variant type: Deletion.
Coding change: c.23del on transcript NM_024854.5 (MANE Select); coding-DNA position 23, one base deleted (C; older notation c.23delC).
Protein change: p.Pro8fs; shifts the reading frame from proline 8.
Molecular consequence: frameshift variant. On other transcripts: 5 prime UTR variant (1).
Genome position (GRCh38, 1-based): chr12:21,437,753, C deleted; the last of 5 consecutive C bases (chr12:21,437,749-21,437,753); deleting any one gives the same sequence. VCF-style (leftmost placement, unchanged base first): chr12-21437748-TC-T. GRCh37 (hg19) VCF-style: chr12-21590682-TC-T.
Other names: c.-681del (NM_001350913.2); short protein forms P8fs.
Identifiers: ClinVar variation 1379899 (VCV001379899.6), dbSNP rs774637488, ClinGen allele CA6478040.

ClinVar aggregate classification (germline): Pathogenic (1 of 4 stars; one submission).

Submission:

Labcorp Genetics (formerly Invitae), Labcorp
Classification: Pathogenic. Last evaluated: 2021-11-24. Review status: criteria provided, single submitter. Criteria: Invitae Variant Classification Sherloc (09022015). Collection method: clinical testing. Allele origin: germline.
Comment: This sequence change creates a premature translational stop signal (p.Pro8Argfs*34) in the PYROXD1 gene. It is expected to result in an absent or disrupted protein product. Loss-of-function variants in PYROXD1 are known to be pathogenic (PMID: 27745833). The frequency data for this variant in the population databases is considered unreliable, as metrics indicate poor data quality at this position in the gnomAD database. This variant has not been reported in the literature in individuals affected with PYROXD1-related conditions. For these reasons, this variant has been classified as Pathogenic.

Literature cited by the submitters: PubMed 27745833.